The following is an entry in ClinVar:

ClinVar aggregate classification (germline): Uncertain significance. Review status: criteria provided, multiple submitters, no conflicts (2 of 4 stars). 3 submissions from 3 submitters: Uncertain significance (2). 1 of the submissions does not count toward it. Last evaluated 2025-12-22.

Conditions:
Hereditary cancer-predisposing syndrome. Also called: Tumor predisposition; Neoplastic Syndromes, Hereditary; Hereditary Cancer Syndrome; Hereditary neoplastic syndrome. Identifiers: Orphanet 140162, MedGen C0027672, MeSH D009386, MONDO:0015356.
POLD1-related polyposis and colorectal cancer syndrome (CRCS10). Also called: Colorectal cancer 10; COLORECTAL CANCER, SUSCEPTIBILITY TO, ON CHROMOSOME 19q; Colorectal cancer, susceptibility to, 10. Identifiers: Orphanet 220460, MedGen C2675481, MONDO:0012953, OMIM 612591.
POLD1-related disorder. Also called: POLD1-related condition; POLD1-related disorders.

Allele frequency attached by ClinVar (database versions not stated): gnomAD exomes below 0.00001; TOPMed 0.00002; ExAC 0.00005.

Submissions (3):

Labcorp Genetics (formerly Invitae), Labcorp
Classification: Uncertain significance for POLD1-related polyposis and colorectal cancer syndrome. Last evaluated: 2025-12-22. Review status: criteria provided, single submitter. Criteria: Invitae Variant Classification Sherloc (09022015). Collection method: clinical testing. Allele origin: germline.
Comment: This sequence change replaces alanine, which is neutral and non-polar, with threonine, which is neutral and polar, at codon 1004 of the POLD1 protein (p.Ala1004Thr). The frequency data for this variant in the population databases is considered unreliable, as metrics indicate poor data quality at this position in the gnomAD database. This variant has not been reported in the literature in individuals affected with POLD1-related conditions. ClinVar contains an entry for this variant (Variation ID: 537044). Invitae Evidence Modeling of protein sequence and biophysical properties (such as structural, functional, and spatial information, amino acid conservation, physicochemical variation, residue mobility, and thermodynamic stability) indicates that this missense variant is not expected to disrupt POLD1 protein function with a negative predictive value of 80%. In summary, the available evidence is currently insufficient to determine the role of this variant in disease. Therefore, it has been classified as a Variant of Uncertain Significance.

Ambry Genetics
Classification: Uncertain significance for Hereditary cancer-predisposing syndrome. Last evaluated: 2023-12-31. Review status: criteria provided, single submitter. Criteria: Ambry Variant Classification Scheme 2023. Collection method: clinical testing. Allele origin: germline.
Comment: The p.A1004T variant (also known as c.3010G>A), located in coding exon 23 of the POLD1 gene, results from a G to A substitution at nucleotide position 3010. The alanine at codon 1004 is replaced by threonine, an amino acid with similar properties. This amino acid position is conserved. In addition, this alteration is predicted to be tolerated by in silico analysis. Since supporting evidence is limited at this time, the clinical significance of this alteration remains unclear.

PreventionGenetics, part of Exact Sciences
Classification: Uncertain significance for POLD1-related condition. Last evaluated: 2023-11-21. Review status: no assertion criteria provided. Collection method: clinical testing. Allele origin: germline. Not counted in ClinVar's aggregate classification.
Comment: The POLD1 c.3010G>A variant is predicted to result in the amino acid substitution p.Ala1004Thr. To our knowledge, this variant has not been reported in the literature. This variant is reported in 1 of ~163,000 alleles in gnomAD: However, the quality of this call is questionable and should be interpreted with caution. It is interpreted as uncertain significance in ClinVar. At this time, the clinical significance of this variant is uncertain due to the absence of conclusive functional and genetic evidence.

NM_002691.4(POLD1):c.3010G>A (p.Ala1004Thr)

Gene: POLD1 (DNA polymerase delta 1, catalytic subunit; plus strand). Cytogenetic location: 19q13.33.
Variant type: single nucleotide variant.
Coding change: c.3010G>A on transcript NM_002691.4 (MANE Select); coding-DNA position 3010, G replaced by A.
Protein change: p.Ala1004Thr; replaces alanine 1004 with threonine.
Molecular consequence: missense variant. On other transcripts: non-coding transcript variant (1).
Genome position (GRCh38, 1-based): chr19:50,416,666, G>A. VCF-style: chr19-50416666-G-A. GRCh37 (hg19) VCF-style: chr19-50919923-G-A.
Other names: c.3010G>A, p.Ala1004Thr (NM_001256849.1); c.3088G>A, p.Ala1030Thr (NM_001308632.1); short protein forms A1004T, A1030T.
Identifiers: ClinVar variation 537044 (VCV000537044.15), dbSNP rs767795037, ClinGen allele CA9596726.